The following is an entry in ClinVar:

ClinVar aggregate classification (germline): Pathogenic. Review status: reviewed by expert panel (3 of 4 stars). 3 submissions from 3 submitters: Pathogenic (1). 2 of the submissions do not count toward it. Last evaluated 2023-08-25.

Conditions:
CDH1-related diffuse gastric and lobular breast cancer syndrome. Also called: CDH1-related diffuse gastric and lobular breast cancer. Identifiers: MedGen CN311521, MONDO:0100488.
Hereditary cancer-predisposing syndrome. Also called: Hereditary neoplastic syndrome; Tumor predisposition; Neoplastic Syndromes, Hereditary; Hereditary Cancer Syndrome. Identifiers: Orphanet 140162, MedGen C0027672, MeSH D009386, MONDO:0015356.
Hereditary diffuse gastric adenocarcinoma (HDGC). Also called: DIFFUSE GASTRIC AND LOBULAR BREAST CANCER SYNDROME. Identifiers: Orphanet 26106, MedGen C1708349, MONDO:0007648, OMIM 137215.

Submissions (3):

Clingen Gastric Cancer Variant Curation Expert Panel
Classification: Pathogenic for CDH1-related diffuse gastric and lobular breast cancer syndrome. Last evaluated: 2023-08-25. Review status: reviewed by expert panel. Criteria: ClinGen CDH1 ACMG Specifications V3.1. Collection method: curation. Allele origin: germline. Inheritance: Autosomal dominant inheritance.
Comment: The c.454_460dup p.(Arg154Thrfs) variant is predicted to result in a premature stop codon that leads to a truncated or absent protein (PVS1, PM5_Supporting). This variant is absent in the gnomAD cohort (PM2_Supporting). One family meets HDGC criteria (PS4_supporting; SCV000580703.3). In summary, this variant meets criteria to be classified as pathogenic based on the ACMG/AMP criteria applied as specified by the CDH1 Variant Curation Expert Panel (Variant Interpretation Guidelines Version 3.1): PVS1, PM2_Supporting, PS4_supporting, PM5_Supporting.

Myriad Genetics, Inc.
Classification: Pathogenic for Hereditary diffuse gastric adenocarcinoma. Last evaluated: 2023-06-09. Review status: criteria provided, single submitter. Criteria: Myriad Autosomal Dominant, Autosomal Recessive and X-Linked Classification Criteria (2023). Collection method: clinical testing. Allele origin: unknown. Not counted in ClinVar's aggregate classification.
Comment: This variant is considered pathogenic. This variant creates a frameshift predicted to result in premature protein truncation.

Ambry Genetics
Classification: Pathogenic for Hereditary cancer-predisposing syndrome. Last evaluated: 2014-03-13. Review status: criteria provided, single submitter. Criteria: Ambry Autosomal Dominant and X-Linked criteria (10/2015). Collection method: clinical testing. Allele origin: germline. Observed: 1 variant allele. Not counted in ClinVar's aggregate classification.
Comment: Ã¢â‚¬â€¹The c.454_460dupCAGAAGA mutation, located in coding exon 4 of the CDH1 gene, results from a duplication of the nucleotide sequence CAGAAGA from position 454 through position 460, causing a translational frameshift with a predicted alternate stop codon. Since frameshifts are typically deleterious in nature, this variant is interpreted as a disease-causing mutation (ACMG Recommendations for Standards for Interpretation and Reporting of Sequence Variations. Revision 2007. Genet Med 2008;10:294).

NM_004360.5(CDH1):c.454_460dup (p.Arg154fs)

Gene: CDH1 (cadherin 1; plus strand). Cytogenetic location: 16q22.1.
Variant type: Microsatellite.
Coding change: c.454_460dup on transcript NM_004360.5 (MANE Select); coding-DNA positions 454 to 460, 7 bases duplicated (CAGAAGA; older notation c.454_460dupCAGAAGA).
Protein change: p.Arg154fs; shifts the reading frame from arginine 154.
Molecular consequence: frameshift variant. On other transcripts: 5 prime UTR variant (2).
Genome position (GRCh38, 1-based): chr16:68,808,490-68,808,496, CAGAAGA duplicated; duplicating any 7 consecutive bases within chr16:68,808,483-68,808,496 gives the same sequence; the c. name uses the placement nearest the transcript's 3' end. VCF-style (leftmost placement, unchanged base first): chr16-68808482-T-TCAGAAGA. GRCh37 (hg19) VCF-style: chr16-68842385-T-TCAGAAGA.
Other names: c.454_460dup, p.Arg154fs (NM_001317184.2); c.-1169CAGAAGA[3] (NM_001317185.2); c.-1373CAGAAGA[3] (NM_001317186.2); short protein forms R154fs.
Identifiers: ClinVar variation 428626 (VCV000428626.5), dbSNP rs1131690815, ClinGen allele CA645369676.
Genomic context (GRCh38, chr16:68,808,482, plus strand): 5'-AGGCCTCCGTTTCTGGAATCCAAGCAGAATTGCTCACATTTCCCAACTCCTCTCCTGGCC[T>TCAGAAGA]CAGAAGACAGAAGAGAGACTGGGTTATTCCTCCCATCAGCTGCCCAGAAAATGAAAAAGG-3'